The following is an entry in ClinVar:

ClinVar aggregate classification (germline): Uncertain significance. Review status: criteria provided, multiple submitters, no conflicts (2 of 4 stars). 4 submissions from 4 submitters: Uncertain significance (4). Last evaluated 2024-11-13.

Conditions:
Retinitis pigmentosa (RP). Identifiers: Orphanet 791, MedGen C0035334, MeSH D012174, MONDO:0019200, OMIM 268000. Inheritance: Autosomal dominant, autosomal recessive and X linked inheritance.
Inborn genetic diseases. Identifiers: MedGen C0950123, MeSH D030342.

Allele frequency attached by ClinVar (database versions not stated): gnomAD 0.00004; TOPMed 0.00005; ExAC 0.00009; gnomAD exomes 0.00009; ESP Exome Variant Server 0.00015.
gnomAD v4.1: 110 of 1,612,434 alleles (0.0068%); highest among the groups gnomAD compares: Middle Eastern, 0.033%; no homozygotes.

Submissions (4):

Ambry Genetics
Classification: Uncertain significance for Inborn genetic diseases. Last evaluated: 2024-11-13. Review status: criteria provided, single submitter. Criteria: Ambry Variant Classification Scheme 2023. Collection method: clinical testing. Allele origin: germline.

Blueprint Genetics
Classification: Uncertain significance. Last evaluated: 2024-06-27. Review status: criteria provided, single submitter. Criteria: ACMG Guidelines, 2015. Collection method: clinical testing. Allele origin: germline.

Labcorp Genetics (formerly Invitae), Labcorp
Classification: Uncertain significance. Last evaluated: 2021-09-01. Review status: criteria provided, single submitter. Criteria: Invitae Variant Classification Sherloc (09022015). Collection method: clinical testing. Allele origin: germline.
Comment: This sequence change replaces arginine with cysteine at codon 323 of the RBP3 protein (p.Arg323Cys). The arginine residue is highly conserved and there is a large physicochemical difference between arginine and cysteine. This variant is present in population databases (rs373982809, ExAC 0.01%). This variant has not been reported in the literature in individuals affected with RBP3-related conditions. Algorithms developed to predict the effect of missense changes on protein structure and function are either unavailable or do not agree on the potential impact of this missense change (SIFT: "Deleterious"; PolyPhen-2: "Probably Damaging"; Align-GVGD: "Class C0"). In summary, the available evidence is currently insufficient to determine the role of this variant in disease. Therefore, it has been classified as a Variant of Uncertain Significance.

Illumina Laboratory Services, Illumina
Classification: Uncertain significance for Retinitis pigmentosa. Last evaluated: 2018-01-13. Review status: criteria provided, single submitter. Criteria: ICSL Variant Classification Criteria 13 December 2019. Collection method: clinical testing. Allele origin: germline.

NM_002900.3(RBP3):c.967C>T (p.Arg323Cys)

Gene: RBP3 (retinol binding protein 3; plus strand). Cytogenetic location: 10q11.22.
Variant type: single nucleotide variant.
Coding change: c.967C>T on transcript NM_002900.3 (MANE Select); coding-DNA position 967, C replaced by T.
Protein change: p.Arg323Cys; replaces arginine 323 with cysteine.
Molecular consequence: missense variant.
Genome position (GRCh38, 1-based): chr10:47,349,451, C>T. VCF-style: chr10-47349451-C-T. GRCh37 (hg19) VCF-style: chr10-48389911-G-A.
Other names: short protein forms R323C.
Identifiers: ClinVar variation 878799 (VCV000878799.10), dbSNP rs373982809, ClinGen allele CA5487647.